The following is an entry in ClinVar:

ClinVar aggregate classification (germline): Uncertain significance. Review status: criteria provided, multiple submitters, no conflicts (2 of 4 stars). 2 submissions from 2 submitters: Uncertain significance (2). Last evaluated 2025-10-13.

Conditions:
Early-infantile DEE. Also called: Early infantile epileptic encephalopathy with suppression bursts; Early infantile epileptic encephalopathy; Ohtahara syndrome. Identifiers: Orphanet 1934, MedGen C0393706, MONDO:0800491.

Submissions (2):

Labcorp Genetics (formerly Invitae), Labcorp
Classification: Uncertain significance for Early-infantile DEE. Last evaluated: 2025-10-13. Review status: criteria provided, single submitter. Criteria: Invitae Variant Classification Sherloc (09022015). Collection method: clinical testing. Allele origin: germline.
Comment: This sequence change replaces arginine, which is basic and polar, with threonine, which is neutral and polar, at codon 345 of the KCNQ2 protein (p.Arg345Thr). This variant is not present in population databases (gnomAD no frequency). This variant has not been reported in the literature in individuals affected with KCNQ2-related conditions. ClinVar contains an entry for this variant (Variation ID: 3637732). Invitae Evidence Modeling of protein sequence and biophysical properties (such as structural, functional, and spatial information, amino acid conservation, physicochemical variation, residue mobility, and thermodynamic stability) indicates that this missense variant is expected to disrupt KCNQ2 protein function with a positive predictive value of 95%. In summary, the available evidence is currently insufficient to determine the role of this variant in disease. Therefore, it has been classified as a Variant of Uncertain Significance.

Blueprint Genetics
Classification: Uncertain significance. Last evaluated: 2020-08-28. Review status: criteria provided, single submitter. Criteria: ACMG Guidelines, 2015. Collection method: clinical testing. Allele origin: germline.

NM_172107.4(KCNQ2):c.1034G>C (p.Arg345Thr)

Gene: KCNQ2 (potassium voltage-gated channel subfamily Q member 2; minus strand). Cytogenetic location: 20q13.33.
Variant type: single nucleotide variant.
Coding change: c.1034G>C on transcript NM_172107.4 (MANE Select); coding-DNA position 1034, G replaced by C.
Protein change: p.Arg345Thr; replaces arginine 345 with threonine.
Molecular consequence: missense variant.
Genome position (GRCh38, 1-based): chr20:63,433,893, C>G on the plus strand (G>C on the coding strand, the complement: KCNQ2 is on the minus strand). VCF-style: chr20-63433893-C-G. GRCh37 (hg19) VCF-style: chr20-62065246-C-G.
Other names: c.1034G>C, p.Arg345Thr (NM_001382235.1, NM_004518.6, NM_172106.3 and 2 more transcripts); short protein forms R345T.
Identifiers: ClinVar variation 3637732 (VCV003637732.3).